The following is an entry in ClinVar:

NM_014319.5(LEMD3):c.2007G>A (p.Met669Ile)

Gene: LEMD3 (LEM domain containing 3; plus strand). Cytogenetic location: 12q14.3.
Variant type: single nucleotide variant.
Coding change: c.2007G>A on transcript NM_014319.5 (MANE Select); coding-DNA position 2007, G replaced by A.
Protein change: p.Met669Ile; replaces methionine 669 with isoleucine.
Molecular consequence: missense variant.
Genome position (GRCh38, 1-based): chr12:65,240,014, G>A. VCF-style: chr12-65240014-G-A. GRCh37 (hg19) VCF-style: chr12-65633794-G-A.
Other names: c.2004G>A, p.Met668Ile (NM_001167614.2); short protein forms M669I, M668I.
Identifiers: ClinVar variation 376941 (VCV000376941.3), dbSNP rs1057520093, ClinGen allele CA16603216.

ClinVar aggregate classification (germline): Uncertain significance (1 of 4 stars; one submission).

Allele frequency attached by ClinVar (database versions not stated): gnomAD exomes below 0.00001.
gnomAD v4.1: 2 of 1,605,420 alleles (0.00012%); highest among the groups gnomAD compares: East Asian, 0.0045%; no homozygotes.

Submission:

Center for Pediatric Genomic Medicine, Children's Mercy Hospital and Clinics
Classification: Uncertain significance. Last evaluated: 2016-11-03. Review status: criteria provided, single submitter. Criteria: ACMG Guidelines, 2015. Collection method: clinical testing. Allele origin: germline.
ClinVar note: Converted during submission from Uncertain Significance to Uncertain significance.